The following is an entry in ClinVar:

NM_003322.6(TULP1):c.187G>A (p.Gly63Arg)

Gene: TULP1 (TUB like protein 1; minus strand). Cytogenetic location: 6p21.31.
Variant type: single nucleotide variant.
Coding change: c.187G>A on transcript NM_003322.6 (MANE Select); coding-DNA position 187, G replaced by A.
Protein change: p.Gly63Arg; replaces glycine 63 with arginine.
Molecular consequence: missense variant.
Genome position (GRCh38, 1-based): chr6:35,512,183, C>T on the plus strand (G>A on the coding strand, the complement: TULP1 is on the minus strand). VCF-style: chr6-35512183-C-T. GRCh37 (hg19) VCF-style: chr6-35479960-C-T.
Other names: c.187G>A, p.Gly63Arg (NM_001289395.2); c.187G>A (NM_003322.3); short protein forms G63R.
Identifiers: ClinVar variation 1360699 (VCV001360699.5), dbSNP rs757725696, ClinGen allele CA363784861.

ClinVar aggregate classification (germline): Uncertain significance. Review status: criteria provided, multiple submitters, no conflicts (2 of 4 stars). 2 submissions from 2 submitters: Uncertain significance (2). Last evaluated 2025-02-27.

Conditions:
Inborn genetic diseases. Identifiers: MedGen C0950123, MeSH D030342.

gnomAD v4.1: 8 of 1,350,182 alleles (0.00059%); highest among the groups gnomAD compares: South Asian, 0.0022%; no homozygotes.

Submissions (2):

Labcorp Genetics (formerly Invitae), Labcorp
Classification: Uncertain significance. Last evaluated: 2025-02-27. Review status: criteria provided, single submitter. Criteria: Invitae Variant Classification Sherloc (09022015). Collection method: clinical testing. Allele origin: germline.
Comment: This sequence change replaces glycine, which is neutral and non-polar, with arginine, which is basic and polar, at codon 63 of the TULP1 protein (p.Gly63Arg). This variant is present in population databases (no rsID available, gnomAD 0.007%). This variant has not been reported in the literature in individuals affected with TULP1-related conditions. ClinVar contains an entry for this variant (Variation ID: 1360699). Invitae Evidence Modeling of protein sequence and biophysical properties (such as structural, functional, and spatial information, amino acid conservation, physicochemical variation, residue mobility, and thermodynamic stability) has been performed for this missense variant. However, the output from this modeling did not meet the statistical confidence thresholds required to predict the impact of this variant on TULP1 protein function. In summary, the available evidence is currently insufficient to determine the role of this variant in disease. Therefore, it has been classified as a Variant of Uncertain Significance.

Ambry Genetics
Classification: Uncertain significance for Inborn genetic diseases. Last evaluated: 2024-03-19. Review status: criteria provided, single submitter. Criteria: Ambry Variant Classification Scheme 2023. Collection method: clinical testing. Allele origin: germline.